The following is an entry in ClinVar:

ClinVar aggregate classification (germline): Uncertain significance (1 of 4 stars; one submission).

Conditions:
Intellectual developmental disorder, autosomal dominant 1. Also called: Intellectual disability, autosomal dominant 1; MBD5 Haploinsufficiency. Identifiers: Orphanet 228402, MedGen C1969562, MONDO:0007974, OMIM 156200.

Allele frequency attached by ClinVar (database versions not stated): gnomAD exomes below 0.00001; gnomAD 0.00001; TOPMed 0.00002.
gnomAD v4.1: 3 of 1,613,644 alleles (0.00019%); highest among the groups gnomAD compares: African/African-American, 0.004%; no homozygotes.

Submission:

Labcorp Genetics (formerly Invitae), Labcorp
Classification: Uncertain significance for Intellectual developmental disorder, autosomal dominant 1. Last evaluated: 2024-02-03. Review status: criteria provided, single submitter. Criteria: Invitae Variant Classification Sherloc (09022015). Collection method: clinical testing. Allele origin: germline.
Comment: This sequence change replaces glycine, which is neutral and non-polar, with serine, which is neutral and polar, at codon 485 of the MBD5 protein (p.Gly485Ser). This variant is present in population databases (no rsID available, gnomAD 0.01%). This variant has not been reported in the literature in individuals affected with MBD5-related conditions. ClinVar contains an entry for this variant (Variation ID: 2099987). Advanced modeling of protein sequence and biophysical properties (such as structural, functional, and spatial information, amino acid conservation, physicochemical variation, residue mobility, and thermodynamic stability) performed at Invitae indicates that this missense variant is not expected to disrupt MBD5 protein function with a negative predictive value of 80%. In summary, the available evidence is currently insufficient to determine the role of this variant in disease. Therefore, it has been classified as a Variant of Uncertain Significance.

NM_001378120.1(MBD5):c.1453G>A (p.Gly485Ser)

Gene: MBD5 (methyl-CpG binding domain protein 5; plus strand). Cytogenetic location: 2q23.1.
Variant type: single nucleotide variant.
Coding change: c.1453G>A on transcript NM_001378120.1 (MANE Select); coding-DNA position 1453, G replaced by A.
Protein change: p.Gly485Ser; replaces glycine 485 with serine.
Molecular consequence: missense variant.
Genome position (GRCh38, 1-based): chr2:148,469,396, G>A. VCF-style: chr2-148469396-G-A. GRCh37 (hg19) VCF-style: chr2-149226965-G-A.
Other names: c.1453G>A, p.Gly485Ser (NM_018328.5); short protein forms G485S.
Identifiers: ClinVar variation 2099987 (VCV002099987.4), dbSNP rs923281616, ClinGen allele CA57578340.
Genomic context (GRCh38, chr2:148,469,396, plus strand): 5'-ACATCATCAGATCATGGAAATTTCATGATGCCACCTGTAGGACCCCAGGCCACTTCTAGT[G>A]GTATTAAGGTTCCACCCAGGTCACCAAGGTCAACAATAGGGTCCCCAAGGCCATCAATGC-3'
Protein context (NP_001365049.1, residues 475-495): PPVGPQATSS[Gly485Ser]IKVPPRSPRS